The following is an entry in ClinVar:

NM_000179.3(MSH6):c.3363G>T (p.Glu1121Asp)

Gene: MSH6 (mutS homolog 6; plus strand). Cytogenetic location: 2p16.3.
Variant type: single nucleotide variant.
Coding change: c.3363G>T on transcript NM_000179.3 (MANE Select); coding-DNA position 3363, G replaced by T.
Protein change: p.Glu1121Asp; replaces glutamic acid 1121 with aspartic acid.
Molecular consequence: missense variant. On other transcripts: non-coding transcript variant (5).
Genome position (GRCh38, 1-based): chr2:47,803,610, G>T. VCF-style: chr2-47803610-G-T. GRCh37 (hg19) VCF-style: chr2-48030749-G-T.
Other names: c.2973G>T, p.Glu991Asp (NM_001281492.2); c.2457G>T, p.Glu819Asp (NM_001281493.2, NM_001406811.1, NM_001406812.1 and 6 more transcripts); c.3285G>T, p.Glu1095Asp (NM_001406804.1); c.3066G>T, p.Glu1022Asp (NM_001406805.1, NM_001406818.1, NM_001406819.1 and 10 more transcripts); c.2838G>T, p.Glu946Asp (NM_001406806.1, NM_001406807.1, NM_001406799.1); c.3363G>T, p.Glu1121Asp (NM_001406808.1, NM_001406809.1, NM_001406796.1 and 1 more transcripts); c.3369G>T, p.Glu1123Asp (NM_001406813.1); c.1797G>T, p.Glu599Asp (NM_001406817.1); and 7 more; short protein forms E1123D, E48D, E1063D, E599D, E819D, E1022D, E1065D, E1121D.
Identifiers: ClinVar variation 4111189 (VCV004111189.1).

ClinVar aggregate classification (germline): Uncertain significance (1 of 4 stars; one submission).

Conditions:
Hereditary cancer-predisposing syndrome. Also called: Tumor predisposition; Neoplastic Syndromes, Hereditary; Hereditary neoplastic syndrome; Hereditary Cancer Syndrome. Identifiers: Orphanet 140162, MedGen C0027672, MeSH D009386, MONDO:0015356.

Submission:

Ambry Genetics
Classification: Uncertain significance for Hereditary cancer-predisposing syndrome. Last evaluated: 2025-06-24. Review status: criteria provided, single submitter. Criteria: Ambry Variant Classification Scheme 2023. Collection method: clinical testing. Allele origin: germline.
Comment: The p.E1121D variant (also known as c.3363G>T), located in coding exon 5 of the MSH6 gene, results from a G to T substitution at nucleotide position 3363. The glutamic acid at codon 1121 is replaced by aspartic acid, an amino acid with highly similar properties. This amino acid position is not well conserved in available vertebrate species. In addition, this alteration is predicted to be tolerated by in silico analysis. Based on the available evidence, the clinical significance of this variant remains unclear.